The following is an entry in ClinVar:

ClinVar aggregate classification (germline): Uncertain significance (1 of 4 stars; one submission).

Conditions:
Holoprosencephaly 3 (HPE3). Identifiers: Orphanet 2162, MedGen C1840529, MONDO:0007733, OMIM 142945.

Allele frequency attached by ClinVar (database versions not stated): TOPMed below 0.00001; gnomAD 0.00001.
gnomAD v4.1: 1 of 152,192 alleles (0.00066%); highest among the groups gnomAD compares: Admixed American, 0.0065%; no homozygotes.

Submission:

Labcorp Genetics (formerly Invitae), Labcorp
Classification: Uncertain significance for Holoprosencephaly 3. Last evaluated: 2024-10-29. Review status: criteria provided, single submitter. Criteria: Invitae Variant Classification Sherloc (09022015). Collection method: clinical testing. Allele origin: germline.
Comment: This variant falls within the ZRS enhancer region located within intron 5 of the LMBR1 gene (c.424-15409A>G). Variants in this region have been shown to impact SHH gene expression. This variant is not present in population databases (gnomAD no frequency). This variant has not been reported in the literature in individuals affected with SHH-related conditions. Experimental studies and prediction algorithms are not available or were not evaluated, and the effect of this variant on mRNA splicing is currently unknown. In summary, the available evidence is currently insufficient to determine the role of this variant in disease. Therefore, it has been classified as a Variant of Uncertain Significance.

NC_000007.14:g.156779204T>C

Genes: LMBR1 (limb development membrane protein 1; minus strand), SHH (sonic hedgehog signaling molecule; minus strand). Cytogenetic location: 7q36.3.
Variant type: single nucleotide variant.
Molecular consequence: intron variant (on NM_022458.4).
Genome position: GRCh38 VCF-style: chr7-156779204-T-C. GRCh37 (hg19) VCF-style: chr7-156571898-T-C.
Other names: c.361-15409A>G (NM_001363412.2); c.145-15409A>G (NM_001350954.2); c.424-15409A>G (NM_001363410.2, NM_022458.4, NM_001363409.2 and 1 more transcripts); c.-34+451A>G (NM_001350958.2, NM_001350956.2, NM_001350955.2 and 1 more transcripts); c.55-15409A>G (NM_001350957.2, NM_001363411.2).
Identifiers: ClinVar variation 2868929 (VCV002868929.3), dbSNP rs1826678875, ClinGen allele CA1109169849.